The following is an entry in ClinVar:

NM_000407.5(GP1BB):c.47T>C (p.Leu16Pro)

Genes: GP1BB (glycoprotein Ib platelet subunit beta; plus strand), SEPT5-GP1BB (SEPT5-GP1BB readthrough; plus strand). Cytogenetic location: 22q11.21.
Variant type: single nucleotide variant.
Coding change: c.47T>C on transcript NM_000407.5 (MANE Select); coding-DNA position 47, T replaced by C.
Protein change: p.Leu16Pro; replaces leucine 16 with proline.
Molecular consequence: missense variant. On other transcripts: non-coding transcript variant (2).
Genome position (GRCh38, 1-based): chr22:19,723,890, T>C. VCF-style: chr22-19723890-T-C. GRCh37 (hg19) VCF-style: chr22-19711413-T-C.
Other names: NM_000407.5(GP1BB):c.47T>C; p.Leu16Pro; short protein forms L16P.
Identifiers: ClinVar variation 627320 (VCV000627320.9), dbSNP rs1601248210, ClinGen allele CA410676273.

ClinVar aggregate classification (germline): Likely pathogenic. Review status: reviewed by expert panel (3 of 4 stars). 6 submissions from 5 submitters: Likely pathogenic (1). 5 of the submissions do not count toward it. Last evaluated 2025-02-18.

Conditions:
Thrombocytopenia. Identifiers: MedGen C0040034, MeSH D013921, MONDO:0002049, HP:0001873.
Bernard Soulier syndrome (BSS). Also called: BLEEDING DISORDER, PLATELET-TYPE, 1; Platelet Glycoprotein 1b, Deficiency of; PLATELET GLYCOPROTEIN Ib DEFICIENCY; GLYCOPROTEIN Ib, PLATELET, DEFICIENCY OF; VON WILLEBRAND FACTOR RECEPTOR DEFICIENCY; Giant platelet syndrome. Identifiers: Orphanet 274, MedGen C0005129, MeSH D001606, MONDO:0009276, OMIM 231200.
GP1BB-related disorders.
Macrothrombocytopenia. Identifiers: MedGen C2751260, HP:0040185.

Allele frequency attached by ClinVar (database versions not stated): gnomAD exomes below 0.00001.

Submissions (6):

ClinGen Platelet Disorders Variant Curation Expert Panel, ClinGen
Classification: Likely pathogenic for Bernard Soulier syndrome. Last evaluated: 2025-02-18. Review status: reviewed by expert panel. Criteria: ClinGen Platelet ACMG Specifications GP1BB V1.0.0. Collection method: curation. Allele origin: germline. Inheritance: Autosomal recessive inheritance.
Comment: NM_000407.5(GP1BB):c.47T>C (p.Leu16Pro) is a missense variant in GP1BB that has been reported in the literature in at least two probands diagnosed with Bernard-Soulier syndrome in the homozygous state (PM3, PMIDs:32419170, 24934643). One of those patients displayed absent expression of GP1bb (CD42) in addition to excessive mucocutaneous bleeding and macrothrombocytopenia (PP4). At least 5 unrelated individuals heterozygous for this variant have been reported with macrothrombocytopenia (<150x10^9 platelets/l and MPV >12) in four publications (PMIDs: 28064200, 36173017, 31793234, 30609015; PS4_supporting). The Grpmax filtering allele frequency in gnomaDv4.1 is 8.200e-7 (based on 4/1141542 alleles) in the European (non-Finnish) population, which is below the <0.0000651678 threshold for PM2_supporting. Additionally, the variant is predicted to have a deleterious effect (REVEL score of 0.886; PP3_Moderate). In summary, this variant meets the criteria to be classified as likely pathogenic for autosomal recessive Bernard-Soulier syndrome based on the ACMG/AMP criteria applied, as specified by the ClinGen PD VCEP: PS4_Supporting, PM2_Supporting, PP3_Moderate, PP4, and PM3 (VCEP specifications version 1).

GeneDx
Classification: Likely pathogenic. Last evaluated: 2024-02-04. Review status: criteria provided, single submitter. Criteria: GeneDx Variant Classification Process June 2021. Collection method: clinical testing. Allele origin: germline. Not counted in ClinVar's aggregate classification.
Comment: Not observed at significant frequency in large population cohorts (gnomAD); In silico analysis supports that this missense variant does not alter protein structure/function; This variant is associated with the following publications: (PMID: 24934643, 30609015, 28064200, 32581362, 31793234, 32419170, 36173017, 31064749)

Blueprint Genetics
Classification: Likely pathogenic for GP1BB-related disorders. Last evaluated: 2020-03-10. Review status: criteria provided, single submitter. Criteria: ACMG Guidelines, 2015. Collection method: clinical testing. Allele origin: germline. Affected: yes. Observed: 1 variant allele. Not counted in ClinVar's aggregate classification.

NIHR Bioresource Rare Diseases, University of Cambridge
Classification: Likely pathogenic for Thrombocytopenia. Last evaluated: 2019-02-01. Review status: criteria provided, single submitter. Criteria: ACMG Guidelines, 2015. Collection method: research. Allele origin: unknown. Affected: yes. Observed: 1 homozygote. Study: ThromboGenomics. Not counted in ClinVar's aggregate classification.

ISTH-SSC Genomics in Thrombosis and Hemostasis, KU Leuven, Center for Molecular and Vascular Biology
Classification: Pathogenic for Bernard Soulier syndrome. Review status: criteria provided, single submitter. Criteria: ACMG Guidelines, 2015. Collection method: clinical testing. Allele origin: germline. Affected: yes. Observed: 1 heterozygote. Not counted in ClinVar's aggregate classification.
Comment: Submitted to the GoldVariant database by Kathleen Freson, Center for Molecular and Vascular Biology

NIHR Bioresource Rare Diseases, University of Cambridge
Classification: Likely pathogenic for Macrothrombocytopenia. Review status: no assertion criteria provided. Collection method: research. Allele origin: unknown. Affected: yes. Observed: 3 variant alleles. Not counted in ClinVar's aggregate classification.

Literature cited by the submitters: PubMed 31064749 (cited by NIHR Bioresource Rare Diseases, University of Cambridge); PubMed 32581362 (cited by NIHR Bioresource Rare Diseases, University of Cambridge).